The following is an entry in ClinVar:

ClinVar aggregate classification (germline): Benign. Review status: criteria provided, single submitter (1 of 4 stars). 2 submissions from 2 submitters: Benign (1). 1 of the submissions does not count toward it. Last evaluated 2026-01-31.

Conditions:
TRIM28-related disorder. Also called: TRIM28-related condition.

Allele frequency attached by ClinVar (database versions not stated): TOPMed 0.00088; ExAC 0.00013; gnomAD 0.00088; 1000 Genomes Project 30x 0.00062.

Submissions (2):

Labcorp Genetics (formerly Invitae), Labcorp
Classification: Benign. Last evaluated: 2026-01-31. Review status: criteria provided, single submitter. Criteria: Invitae Variant Classification Sherloc (09022015). Collection method: clinical testing. Allele origin: germline.

PreventionGenetics, part of Exact Sciences
Classification: Likely benign for TRIM28-related condition. Last evaluated: 2021-05-06. Review status: no assertion criteria provided. Collection method: clinical testing. Allele origin: germline. Not counted in ClinVar's aggregate classification.
Comment: This variant is classified as likely benign based on ACMG/AMP sequence variant interpretation guidelines (Richards et al. 2015 PMID: 25741868, with internal and published modifications).

NM_005762.3(TRIM28):c.192C>T (p.His64=)

Genes: TRIM28 (tripartite motif containing 28; plus strand), LOC130065239 (ATAC-STARR-seq lymphoblastoid silent region 11093; plus strand). Cytogenetic location: 19q13.43.
Variant type: single nucleotide variant.
Coding change: c.192C>T on transcript NM_005762.3 (MANE Select); coding-DNA position 192, C replaced by T.
Protein change: p.His64=; no amino-acid change (histidine 64 retained).
Molecular consequence: synonymous variant.
Genome position (GRCh38, 1-based): chr19:58,544,949, C>T. VCF-style: chr19-58544949-C-T. GRCh37 (hg19) VCF-style: chr19-59056316-C-T.
Other names: c.192C>T (NM_005762.2).
Identifiers: ClinVar variation 2836729 (VCV002836729.5), dbSNP rs772062830, ClinGen allele CA9718792.